The following is an entry in ClinVar:

NM_002291.3(LAMB1):c.463G>A (p.Asp155Asn)

Gene: LAMB1 (laminin subunit beta 1; minus strand). Cytogenetic location: 7q31.1.
Variant type: single nucleotide variant.
Coding change: c.463G>A on transcript NM_002291.3 (MANE Select); coding-DNA position 463, G replaced by A.
Protein change: p.Asp155Asn; replaces aspartic acid 155 with asparagine.
Molecular consequence: missense variant.
Genome position (GRCh38, 1-based): chr7:107,986,324, C>T on the plus strand (G>A on the coding strand, the complement: LAMB1 is on the minus strand). VCF-style: chr7-107986324-C-T. GRCh37 (hg19) VCF-style: chr7-107626769-C-T.
Other names: short protein forms D155N.
Identifiers: ClinVar variation 2614519 (VCV002614519.4), dbSNP rs753663712, ClinGen allele CA4436281.
Genomic context (GRCh38, chr7:107,986,324, plus strand): 5'-GAAACGAGGCCTCACAGTCATAGGCGAAGTATCTATACACACCCCAGGTTTTCCCAAAGT[C>T]GGACGATCGTTCTATCAGCATAGCAGCTGGACGGAATGTCTAAAGGCAGGAGCAAAAATC-3'
Protein context (NP_002282.2, residues 145-165): PAAMLIERSS[Asp155Asn]FGKTWGVYRY

ClinVar aggregate classification (germline): Uncertain significance. Review status: criteria provided, multiple submitters, no conflicts (2 of 4 stars). 2 submissions from 2 submitters: Uncertain significance (2). Last evaluated 2024-03-07.

Conditions:
Inborn genetic diseases. Identifiers: MedGen C0950123, MeSH D030342.

Allele frequency attached by ClinVar (database versions not stated): TOPMed below 0.00001; gnomAD 0.00003; ExAC 0.00007.
gnomAD v4.1: 52 of 1,609,154 alleles (0.0032%); highest among the groups gnomAD compares: South Asian, 0.051%; no homozygotes.

Submissions (2):

Labcorp Genetics (formerly Invitae), Labcorp
Classification: Uncertain significance. Last evaluated: 2024-03-07. Review status: criteria provided, single submitter. Criteria: Invitae Variant Classification Sherloc (09022015). Collection method: clinical testing. Allele origin: germline.
Comment: This sequence change replaces aspartic acid, which is acidic and polar, with asparagine, which is neutral and polar, at codon 155 of the LAMB1 protein (p.Asp155Asn). This variant is present in population databases (rs753663712, gnomAD 0.06%). This variant has not been reported in the literature in individuals affected with LAMB1-related conditions. ClinVar contains an entry for this variant (Variation ID: 2614519). An algorithm developed to predict the effect of missense changes on protein structure and function (PolyPhen-2) suggests that this variant is likely to be disruptive. In summary, the available evidence is currently insufficient to determine the role of this variant in disease. Therefore, it has been classified as a Variant of Uncertain Significance.

Ambry Genetics
Classification: Uncertain significance for Inborn genetic diseases. Last evaluated: 2023-07-30. Review status: criteria provided, single submitter. Criteria: Ambry Variant Classification Scheme 2023. Collection method: clinical testing. Allele origin: germline.